The following is an entry in ClinVar:

NM_000054.7(AVPR2):c.763del (p.Ser255fs)

Gene: AVPR2 (arginine vasopressin receptor 2; plus strand). Cytogenetic location: Xq28.
Variant type: Deletion.
Coding change: c.763del on transcript NM_000054.7 (MANE Select); coding-DNA position 763, one base deleted (A; older notation c.763delA).
Protein change: p.Ser255fs; shifts the reading frame from serine 255.
Molecular consequence: frameshift variant. On other transcripts: non-coding transcript variant (1).
Genome position (GRCh38, 1-based): chrX:153,906,269, A deleted. VCF-style (leftmost placement, unchanged base first): chrX-153906268-CA-C. GRCh37 (hg19) VCF-style: chrX-153171722-CA-C.
Other names: c.763del, p.Ser255fs (NM_001146151.3); short protein forms S255fs.
Identifiers: ClinVar variation 2737429 (VCV002737429.3), dbSNP rs2521158880, ClinGen allele CA2473134703.
Genomic context (GRCh38, chrX:153,906,268, plus strand): 5'-CAGTCTGGTGCCAGGGCCATCAGAGAGGCCTGGGGGGCGCCGCAGGGGACGCCGGACAGG[CA>C]GCCCCGGTGAGGGAGCCCACGTGTCAGCAGCTGTGGCCAAGACTGTGAGGATGACGCTAG-3'

ClinVar aggregate classification (germline): Pathogenic (1 of 4 stars; one submission).

Submission:

Labcorp Genetics (formerly Invitae), Labcorp
Classification: Pathogenic. Last evaluated: 2023-02-19. Review status: criteria provided, single submitter. Criteria: Invitae Variant Classification Sherloc (09022015). Collection method: clinical testing. Allele origin: germline.
Comment: For these reasons, this variant has been classified as Pathogenic. This premature translational stop signal has been observed in individual(s) with complete nephrogenic diabetes insipidus (PMID: 7913579). This variant is not present in population databases (gnomAD no frequency). This sequence change creates a premature translational stop signal (p.Ser255Alafs*16) in the AVPR2 gene. It is expected to result in an absent or disrupted protein product. Loss-of-function variants in AVPR2 are known to be pathogenic (PMID: 8037205, 10820168).

Literature cited by the submitters: PubMed 7913579; PubMed 8037205; PubMed 10820168.